The following is an entry in ClinVar:

NM_005502.4(ABCA1):c.1771G>A (p.Gly591Arg)

Gene: ABCA1 (ATP binding cassette subfamily A member 1; minus strand). Cytogenetic location: 9q31.1.
Variant type: single nucleotide variant.
Coding change: c.1771G>A on transcript NM_005502.4 (MANE Select); coding-DNA position 1771, G replaced by A.
Protein change: p.Gly591Arg; replaces glycine 591 with arginine.
Molecular consequence: missense variant.
Genome position (GRCh38, 1-based): chr9:104,831,046, C>T on the plus strand (G>A on the coding strand, the complement: ABCA1 is on the minus strand). VCF-style: chr9-104831046-C-T. GRCh37 (hg19) VCF-style: chr9-107593327-C-T.
Other names: short protein forms G591R.
Identifiers: ClinVar variation 4236741 (VCV004236741.1).
Genomic context (GRCh38, chr9:104,831,046, plus strand): 5'-TGCCCGTCAGCACCCTGATGATTGCCTGCTCCACCACATCCTGCAAGTAGGCGAAGCCCC[C>T]CCAGACGTACCGCATGTCCTCAAAGGGGTCAGCTCGAGGACCAGGGTCCCAGTACCTAAA-3'
Protein context (NP_005493.2, residues 581-601): DPFEDMRYVW[Gly591Arg]GFAYLQDVVE

ClinVar aggregate classification (germline): Uncertain significance (1 of 4 stars; one submission).

Conditions:
Cardiovascular phenotype. Identifiers: MedGen CN230736.

gnomAD v4.1: 1 of 1,613,750 alleles (0.000062%); highest among the groups gnomAD compares: Non-Finnish European, 0.000085%; no homozygotes.

Submission:

Ambry Genetics
Classification: Uncertain significance for Cardiovascular phenotype. Last evaluated: 2025-09-04. Review status: criteria provided, single submitter. Criteria: Ambry Variant Classification Scheme 2023. Collection method: clinical testing. Allele origin: germline.
Comment: The p.G591R variant (also known as c.1771G>A), located in coding exon 13 of the ABCA1 gene, results from a G to A substitution at nucleotide position 1771. The glycine at codon 591 is replaced by arginine, an amino acid with dissimilar properties. This amino acid position is conserved. In addition, this alteration is predicted to be deleterious by in silico analysis. Based on the available evidence, the clinical significance of this variant remains unclear.